The following is an entry in ClinVar:

NM_001164508.2(NEB):c.23028G>C (p.Arg7676Ser)

Genes: RIF1 (replication timing regulatory factor 1; plus strand), NEB (nebulin; minus strand). Cytogenetic location: 2q23.3.
Variant type: single nucleotide variant.
Coding change: c.23028G>C on transcript NM_001164508.2 (MANE Select); coding-DNA position 23028, G replaced by C.
Protein change: p.Arg7676Ser; replaces arginine 7676 with serine.
Molecular consequence: missense variant.
Genome position (GRCh38, 1-based): chr2:151,514,417, C>G on the plus strand (G>C on the coding strand, the complement: NEB is on the minus strand). VCF-style: chr2-151514417-C-G. GRCh37 (hg19) VCF-style: chr2-152370931-C-G.
Other names: c.23028G>C, p.Arg7676Ser (NM_001164507.2); c.23133G>C, p.Arg7711Ser (NM_001271208.2); c.17925G>C, p.Arg5975Ser (NM_004543.5); short protein forms R7711S, R5975S, R7676S.
Identifiers: ClinVar variation 1958207 (VCV001958207.2), dbSNP rs2552079384, ClinGen allele CA348753687.
Genomic context (GRCh38, chr2:151,514,417, plus strand): 5'-GTCAGGTGTATCTTCCATTTCAGTGAGGCCCTTCCCACGGATGCTTTCCTCTAGATCTTT[C>G]CTGTACTCTTTCTATATCATGAAAGAAAAGCAACAACATTGACAAGAAAGCCCAGATTGA-3'
Protein context (NP_001157980.2, residues 7666-7686): ATKIASEKEY[Arg7676Ser]KDLEESIRGK

ClinVar aggregate classification (germline): Uncertain significance (1 of 4 stars; one submission).

Conditions:
Nemaline myopathy 2 (NEM2). Also called: Nemaline myopathy 2, autosomal recessive. Identifiers: MedGen C1850569, MONDO:0009725, OMIM 256030.

Allele frequency attached by ClinVar (database versions not stated): gnomAD exomes below 0.00001.
gnomAD v4.1: 1 of 1,609,654 alleles (0.000062%); highest among the groups gnomAD compares: Non-Finnish European, 0.000085%; no homozygotes.

Submission:

Labcorp Genetics (formerly Invitae), Labcorp
Classification: Uncertain significance for Nemaline myopathy 2. Last evaluated: 2021-07-01. Review status: criteria provided, single submitter. Criteria: Invitae Variant Classification Sherloc (09022015). Collection method: clinical testing. Allele origin: germline.
Comment: This sequence change replaces arginine with serine at codon 7711 of the NEB protein (p.Arg7711Ser). The arginine residue is moderately conserved and there is a moderate physicochemical difference between arginine and serine. This variant is not present in population databases (ExAC no frequency). This variant has not been reported in the literature in individuals affected with NEB-related conditions. Algorithms developed to predict the effect of missense changes on protein structure and function are either unavailable or do not agree on the potential impact of this missense change (SIFT: "Deleterious"; PolyPhen-2: "Not Available"; Align-GVGD: "Class C0"). In summary, the available evidence is currently insufficient to determine the role of this variant in disease. Therefore, it has been classified as a Variant of Uncertain Significance.